The following is an entry in ClinVar:

ClinVar aggregate classification (germline): Pathogenic (1 of 4 stars; one submission).

Conditions:
Holocarboxylase synthetase deficiency. Also called: MULTIPLE CARBOXYLASE DEFICIENCY, EARLY ONSET. Identifiers: Orphanet 79242, MedGen C0268581, MONDO:0009666, OMIM 253270.

Submission:

Labcorp Genetics (formerly Invitae), Labcorp
Classification: Pathogenic for Holocarboxylase synthetase deficiency. Last evaluated: 2023-04-14. Review status: criteria provided, single submitter. Criteria: Invitae Variant Classification Sherloc (09022015). Collection method: clinical testing. Allele origin: germline.
Comment: For these reasons, this variant has been classified as Pathogenic. This variant has not been reported in the literature in individuals affected with HLCS-related conditions. This variant is not present in population databases (gnomAD no frequency). This sequence change creates a premature translational stop signal (p.Gln22*) in the HLCS gene. It is expected to result in an absent or disrupted protein product. Loss-of-function variants in HLCS are known to be pathogenic (PMID: 16134170).

Literature cited by the submitters: PubMed 16134170.

NM_001352514.2(HLCS):c.505C>T (p.Gln169Ter)

Gene: HLCS (holocarboxylase synthetase; minus strand). Cytogenetic location: 21q22.13.
Variant type: single nucleotide variant.
Coding change: c.505C>T on transcript NM_001352514.2 (MANE Select); coding-DNA position 505, C replaced by T.
Protein change: p.Gln169Ter; replaces glutamine 169 with a stop codon.
Molecular consequence: nonsense. On other transcripts: non-coding transcript variant (2).
Genome position (GRCh38, 1-based): chr21:36,937,381, G>A on the plus strand (C>T on the coding strand, the complement: HLCS is on the minus strand). VCF-style: chr21-36937381-G-A. GRCh37 (hg19) VCF-style: chr21-38309681-G-A.
Other names: c.64C>T, p.Gln22Ter (NM_000411.8, NM_001242784.3, NM_001242785.2 and 4 more transcripts); short protein forms Q22*, Q169*.
Identifiers: ClinVar variation 2912516 (VCV002912516.3), dbSNP rs2517583520, ClinGen allele CA409914193.